The following is an entry in ClinVar:

NM_004974.4(KCNA2):c.1438G>A (p.Ala480Thr)

Gene: KCNA2 (potassium voltage-gated channel subfamily A member 2; minus strand). Cytogenetic location: 1p13.3.
Variant type: single nucleotide variant.
Coding change: c.1438G>A on transcript NM_004974.4 (MANE Select); coding-DNA position 1438, G replaced by A.
Protein change: p.Ala480Thr; replaces alanine 480 with threonine.
Molecular consequence: missense variant. On other transcripts: intron variant (1).
Genome position (GRCh38, 1-based): chr1:110,603,345, C>T on the plus strand (G>A on the coding strand, the complement: KCNA2 is on the minus strand). VCF-style: chr1-110603345-C-T. GRCh37 (hg19) VCF-style: chr1-111145967-C-T.
Other names: c.894+544G>A (NM_001204269.2); short protein forms A480T.
Identifiers: ClinVar variation 1305909 (VCV001305909.3), dbSNP rs1445835017, ClinGen allele CA341600280.

ClinVar aggregate classification (germline): Uncertain significance (1 of 4 stars; one submission).

Allele frequency attached by ClinVar (database versions not stated): gnomAD exomes below 0.00001.
gnomAD v4.1: 2 of 1,613,728 alleles (0.00012%); highest among the groups gnomAD compares: Non-Finnish European, 0.00017%; no homozygotes.

Submission:

GeneDx
Classification: Uncertain significance. Last evaluated: 2026-10-21. Review status: criteria provided, single submitter. Criteria: GeneDx Variant Classification Process June 2021. Collection method: clinical testing. Allele origin: germline.
Comment: Not observed at significant frequency in large population cohorts (gnomAD); In silico analysis suggests that this missense variant does not alter protein structure/function; Has not been previously published as pathogenic or benign to our knowledge